The following is an entry in ClinVar:

ClinVar aggregate classification (germline): Uncertain significance (1 of 4 stars; one submission).

Submission:

Labcorp Genetics (formerly Invitae), Labcorp
Classification: Uncertain significance. Last evaluated: 2025-09-15. Review status: criteria provided, single submitter. Criteria: Invitae Variant Classification Sherloc (09022015). Collection method: clinical testing. Allele origin: germline.
Comment: This sequence change replaces leucine, which is neutral and non-polar, with glutamine, which is neutral and polar, at codon 524 of the LZTR1 protein (p.Leu524Gln). Information on the frequency of this variant in the gnomAD database is not available, as this variant may be reported differently in the database. This variant has not been reported in the literature in individuals affected with LZTR1-related conditions. An algorithm developed to predict the effect of missense changes on protein structure and function (PolyPhen-2) suggests that this variant is likely to be disruptive. In summary, the available evidence is currently insufficient to determine the role of this variant in disease. Therefore, it has been classified as a Variant of Uncertain Significance.

NM_006767.4(LZTR1):c.1571_1572delinsAA (p.Leu524Gln)

Gene: LZTR1 (leucine zipper like post translational regulator 1; plus strand). Cytogenetic location: 22q11.21.
Variant type: Indel.
Coding change: c.1571_1572delinsAA on transcript NM_006767.4 (MANE Select); coding-DNA positions 1571 to 1572, TC replaced by AA.
Protein change: p.Leu524Gln; replaces leucine 524 with glutamine.
Molecular consequence: missense variant.
Genome position (GRCh38, 1-based): chr22:20,994,225-20,994,226, TC replaced by AA. VCF-style: chr22-20994225-TC-AA. GRCh37 (hg19) VCF-style: chr22-21348514-TC-AA.
Other names: short protein forms L524Q.
Identifiers: ClinVar variation 4727192 (VCV004727192.1).